The following is an entry in ClinVar:

NM_000514.4(GDNF):c.*988A>G

Gene: GDNF (glial cell derived neurotrophic factor; minus strand). Cytogenetic location: 5p13.2.
Variant type: single nucleotide variant.
Coding change: c.*988A>G on transcript NM_000514.4 (MANE Select); 988 bases downstream of the stop codon, A replaced by G.
Molecular consequence: 3 prime UTR variant.
Genome position (GRCh38, 1-based): chr5:37,814,663, T>C on the plus strand (A>G on the coding strand, the complement: GDNF is on the minus strand). VCF-style: chr5-37814663-T-C. GRCh37 (hg19) VCF-style: chr5-37814765-T-C.
Other names: c.*988A>G (NM_001190468.1, NM_001190469.1, NM_001278098.1 and 1 more transcripts).
Identifiers: ClinVar variation 353507 (VCV000353507.6), dbSNP rs79669773, ClinGen allele CA10624725.

ClinVar aggregate classification (germline): Likely benign. Review status: criteria provided, multiple submitters, no conflicts (2 of 4 stars). 2 submissions from 2 submitters: Likely benign (2). Last evaluated 2017-04-27.

Conditions:
Hirschsprung disease, susceptibility to, 3. Identifiers: Orphanet 388, MedGen C3150974, MONDO:0013383, OMIM 613711.

Allele frequency attached by ClinVar (database versions not stated): 1000 Genomes Project 30x 0.01031; 1000 Genomes Project 0.01038; gnomAD 0.01384 and 0.01403; TOPMed 0.01546.

Submissions (2):

Illumina Laboratory Services, Illumina
Classification: Likely benign for Hirschsprung disease, susceptibility to, 3. Last evaluated: 2017-04-27. Review status: criteria provided, single submitter. Criteria: ICSL Variant Classification Criteria 13 December 2019. Collection method: clinical testing. Allele origin: germline.
Comment: This variant was observed as part of a predisposition screen in an ostensibly healthy population. A literature search was performed for the gene, cDNA change, and amino acid change (where applicable). No publications were found based on this search. Allele frequency data from public databases allowed determination this variant is unlikely to cause disease. Therefore, this variant is classified as likely benign.

Breakthrough Genomics
Classification: Likely benign. Review status: criteria provided, single submitter. Criteria: ACMG Guidelines, 2015. Collection method: not provided. Allele origin: germline. Inheritance: Autosomal dominant inheritance. Affected: yes.